The following is an entry in ClinVar:

NM_000051.4(ATM):c.1685A>G (p.Asn562Ser)

Gene: ATM (ATM serine/threonine kinase; plus strand). Cytogenetic location: 11q22.3.
Variant type: single nucleotide variant.
Coding change: c.1685A>G on transcript NM_000051.4 (MANE Select); coding-DNA position 1685, A replaced by G.
Protein change: p.Asn562Ser; replaces asparagine 562 with serine.
Molecular consequence: missense variant.
Genome position (GRCh38, 1-based): chr11:108,251,914, A>G. VCF-style: chr11-108251914-A-G. GRCh37 (hg19) VCF-style: chr11-108122641-A-G.
Other names: c.1685A>G, p.Asn562Ser (NM_001351834.2); short protein forms N562S.
Identifiers: ClinVar variation 142359 (VCV000142359.29), dbSNP rs368209025, ClinGen allele CA168162.

ClinVar aggregate classification (germline): Conflicting classifications of pathogenicity. Review status: criteria provided, conflicting classifications (1 of 4 stars). 7 submissions from 7 submitters: Uncertain significance (5); Likely benign (1). 1 of the submissions does not count toward it. Last evaluated 2026-02-02.

Conditions:
Hereditary cancer-predisposing syndrome. Also called: Neoplastic Syndromes, Hereditary; Hereditary Cancer Syndrome; Hereditary neoplastic syndrome; Tumor predisposition. Identifiers: Orphanet 140162, MedGen C0027672, MeSH D009386, MONDO:0015356.
Ataxia-telangiectasia syndrome (AT). Also called: Cerebello-oculocutaneous telangiectasia; Immunodeficiency with ataxia telangiectasia; Ataxia-telangiectasia, complementation group D; AT, COMPLEMENTATION GROUP C; ATAXIA-TELANGIECTASIA, FRESNO VARIANT; ATAXIA-TELANGIECTASIA, COMPLEMENTATION GROUP A. Identifiers: Orphanet 100, MedGen C0004135, MONDO:0008840, OMIM 208900.

Allele frequency attached by ClinVar (database versions not stated): gnomAD exomes 0.00001 and 0.00003; gnomAD 0.00003 and 0.00004; ExAC 0.00005; TOPMed 0.00008; ESP Exome Variant Server 0.00015.
gnomAD v4.1: 12 of 1,613,862 alleles (0.00074%); highest among the groups gnomAD compares: African/African-American, 0.016%; no homozygotes.

Submissions (7):

Labcorp Genetics (formerly Invitae), Labcorp
Classification: Uncertain significance for Ataxia-telangiectasia syndrome. Last evaluated: 2026-02-02. Review status: criteria provided, single submitter. Criteria: Invitae Variant Classification Sherloc (09022015). Collection method: clinical testing. Allele origin: germline.
Comment: This sequence change replaces asparagine, which is neutral and polar, with serine, which is neutral and polar, at codon 562 of the ATM protein (p.Asn562Ser). This variant is present in population databases (rs368209025, gnomAD 0.04%). This variant has not been reported in the literature in individuals affected with ATM-related conditions. ClinVar contains an entry for this variant (Variation ID: 142359). Invitae Evidence Modeling of protein sequence and biophysical properties (such as structural, functional, and spatial information, amino acid conservation, physicochemical variation, residue mobility, and thermodynamic stability) indicates that this missense variant is not expected to disrupt ATM protein function with a negative predictive value of 95%. In summary, the available evidence is currently insufficient to determine the role of this variant in disease. Therefore, it has been classified as a Variant of Uncertain Significance.

Quest Diagnostics Nichols Institute San Juan Capistrano
Classification: Uncertain significance. Last evaluated: 2025-04-12. Review status: criteria provided, single submitter. Criteria: Quest Diagnostics criteria. Collection method: clinical testing. Allele origin: unknown.

Color Diagnostics, LLC DBA Color Health
Classification: Uncertain significance for Hereditary cancer-predisposing syndrome. Last evaluated: 2024-03-06. Review status: criteria provided, single submitter. Criteria: ACMG Guidelines, 2015. Collection method: clinical testing. Allele origin: germline.
Comment: This missense variant replaces asparagine with serine at codon 562 of the ATM protein. Computational prediction suggests that this variant may not impact protein structure and function. To our knowledge, functional studies have not been reported for this variant. This variant has not been reported in individuals affected with ATM-related disorders in the literature. This variant has been identified in 10/282694 chromosomes in the general population by the Genome Aggregation Database (gnomAD). The available evidence is insufficient to determine the role of this variant in disease conclusively. Therefore, this variant is classified as a Variant of Uncertain Significance.

GeneDx
Classification: Uncertain significance. Last evaluated: 2024-02-02. Review status: criteria provided, single submitter. Criteria: GeneDx Variant Classification Process June 2021. Collection method: clinical testing. Allele origin: germline. Affected: yes.
Comment: In silico analysis supports that this missense variant does not alter protein structure/function; Has not been previously published as pathogenic or benign to our knowledge

Ambry Genetics
Classification: Likely benign for Hereditary cancer-predisposing syndrome. Last evaluated: 2024-01-03. Review status: criteria provided, single submitter. Criteria: Ambry Variant Classification Scheme 2023. Collection method: clinical testing. Allele origin: germline.

Sema4
Classification: Uncertain significance for Hereditary cancer-predisposing syndrome. Last evaluated: 2021-06-14. Review status: criteria provided, single submitter. Criteria: Sema4 Curation Guidelines. Collection method: curation. Allele origin: germline.
Comment: The ATM c.1685A>G (p.N562S) variant has not been reported in the literature to our knowledge. It was observed in 10/24968 chromosomes of the African subpopulation, with no homozygotes, in the large and broad cohorts of the Genome Aggregation Database (PMID: 32461654). The variant has been reported in ClinVar (Variation ID 142359). In silico tools suggest the impact of the variant on protein function is benign, though these predictions have not been confirmed by functional studies. The evidence is insufficient to meet ACMG/AMP criteria for classifying the variant as benign or pathogenic. Thus, the clinical significance of this variant is currently uncertain.

Natera, Inc.
Classification: Uncertain significance for Ataxia-telangiectasia. Last evaluated: 2020-12-10. Review status: no assertion criteria provided. Collection method: clinical testing. Allele origin: germline. Not counted in ClinVar's aggregate classification.